The following is an entry in ClinVar:

NM_000077.5(CDKN2A):c.458-25C>T

Gene: CDKN2A (cyclin dependent kinase inhibitor 2A; minus strand). Cytogenetic location: 9p21.3.
Variant type: single nucleotide variant.
Coding change: c.458-25C>T on transcript NM_000077.5 (MANE Select); 25 bases into the intron before coding-DNA position 458, C replaced by T.
Molecular consequence: intron variant.
Genome position (GRCh38, 1-based): chr9:21,968,267, G>A on the plus strand (C>T on the coding strand, the complement: CDKN2A is on the minus strand). VCF-style: chr9-21968267-G-A. GRCh37 (hg19) VCF-style: chr9-21968266-G-A.
Other names: c.305-25C>T (NM_001363763.2); c.*102-25C>T (NM_058195.4); c.*151-25C>T (NM_001195132.2); c.*381-25C>T (NM_058197.5).
Identifiers: ClinVar variation 4294186 (VCV004294186.1).

ClinVar aggregate classification (germline): Benign (1 of 4 stars; one submission).

Conditions:
Melanoma-pancreatic cancer syndrome. Identifiers: Orphanet 404560, MedGen C1838547, MONDO:0011713, OMIM 606719. Disease mechanism: loss of function.

Submission:

Myriad Genetics, Inc.
Classification: Benign for Melanoma-pancreatic cancer syndrome. Last evaluated: 2025-08-18. Review status: criteria provided, single submitter. Criteria: Myriad Autosomal Dominant, Autosomal Recessive and X-Linked Classification Criteria (2023). Collection method: clinical testing. Allele origin: unknown.
Comment: This variant is considered benign. This variant is intronic and is not expected to impact mRNA splicing.